The following is an entry in ClinVar:

NM_016653.3(MAP3K20):c.439T>C (p.Leu147=)

Gene: MAP3K20 (mitogen-activated protein kinase kinase kinase 20; plus strand). Cytogenetic location: 2q31.1.
Variant type: single nucleotide variant.
Coding change: c.439T>C on transcript NM_016653.3 (MANE Select); coding-DNA position 439, T replaced by C.
Protein change: p.Leu147=; no amino-acid change (leucine 147 retained).
Molecular consequence: synonymous variant.
Genome position (GRCh38, 1-based): chr2:173,190,918, T>C. VCF-style: chr2-173190918-T-C. GRCh37 (hg19) VCF-style: chr2-174055646-T-C.
Other names: p.Leu147=; c.439T>C (NM_133646.2); c.439T>C, p.Leu147= (NM_133646.3).
Identifiers: ClinVar variation 1174343 (VCV001174343.12), dbSNP rs35853276, ClinGen allele CA1970396.

ClinVar aggregate classification (germline): Benign. Review status: criteria provided, multiple submitters, no conflicts (2 of 4 stars). 4 submissions from 4 submitters: Benign (3). 1 of the submissions does not count toward it. Last evaluated 2026-02-03.

Conditions:
MAP3K20-related disorder. Also called: MAP3K20-related condition.

Allele frequency attached by ClinVar (database versions not stated): gnomAD 0.14054 and 0.13759; TOPMed 0.14583; 1000 Genomes Project 0.14277; 1000 Genomes Project 30x 0.14538; ESP Exome Variant Server 0.14938; ExAC 0.10607; gnomAD exomes 0.09511 and 0.10052.
gnomAD v4.1: 159,280 of 1,596,050 alleles (10%); highest among the groups gnomAD compares: African/African-American, 26%; 9,932 homozygotes.

Submissions (4):

Labcorp Genetics (formerly Invitae), Labcorp
Classification: Benign. Last evaluated: 2026-02-03. Review status: criteria provided, single submitter. Criteria: Invitae Variant Classification Sherloc (09022015). Collection method: clinical testing. Allele origin: germline.

Mayo Clinic Laboratories, Mayo Clinic
Classification: Benign. Last evaluated: 2022-03-24. Review status: criteria provided, single submitter. Criteria: ACMG Guidelines, 2015. Collection method: clinical testing. Allele origin: germline. Observed: 51 variant alleles.

GeneDx
Classification: Benign. Last evaluated: 2021-05-05. Review status: criteria provided, single submitter. Criteria: GeneDx Variant Classification (06012015). Collection method: clinical testing. Allele origin: germline. Affected: yes.

PreventionGenetics, part of Exact Sciences
Classification: Benign for MAP3K20-related condition. Last evaluated: 2019-10-24. Review status: no assertion criteria provided. Collection method: clinical testing. Allele origin: germline. Not counted in ClinVar's aggregate classification.
Comment: This variant is classified as benign based on ACMG/AMP sequence variant interpretation guidelines (Richards et al. 2015 PMID: 25741868, with internal and published modifications).